The following is an entry in ClinVar:

NM_017780.4(CHD7):c.4247C>T (p.Thr1416Ile)

Gene: CHD7 (chromodomain helicase DNA binding protein 7; plus strand). Cytogenetic location: 8q12.2.
Variant type: single nucleotide variant.
Coding change: c.4247C>T on transcript NM_017780.4 (MANE Select); coding-DNA position 4247, C replaced by T.
Protein change: p.Thr1416Ile; replaces threonine 1416 with isoleucine.
Molecular consequence: missense variant. On other transcripts: intron variant (1).
Genome position (GRCh38, 1-based): chr8:60,837,729, C>T. VCF-style: chr8-60837729-C-T. GRCh37 (hg19) VCF-style: chr8-61750288-C-T.
Other names: c.1717-24500C>T (NM_001316690.1); short protein forms T1416I.
Identifiers: ClinVar variation 2573833 (VCV002573833.1), dbSNP rs770166812, ClinGen allele CA4760103.

ClinVar aggregate classification (germline): Uncertain significance (1 of 4 stars; one submission).

Allele frequency attached by ClinVar (database versions not stated): gnomAD exomes below 0.00001; ExAC 0.00002.
gnomAD v4.1: 2 of 1,607,620 alleles (0.00012%); highest among the groups gnomAD compares: Non-Finnish European, 0.00017%; no homozygotes.

Submission:

GeneDx
Classification: Uncertain significance. Last evaluated: 2023-01-23. Review status: criteria provided, single submitter. Criteria: GeneDx Variant Classification Process June 2021. Collection method: clinical testing. Allele origin: germline. Affected: yes.
Comment: Not observed at significant frequency in large population cohorts (gnomAD); In silico analysis supports that this missense variant has a deleterious effect on protein structure/function; Has not been previously published as pathogenic or benign to our knowledge